The following is an entry in ClinVar:

ClinVar aggregate classification (germline): Likely benign. Review status: criteria provided, multiple submitters, no conflicts (2 of 4 stars). 4 submissions from 4 submitters: Likely benign (4). Last evaluated 2026-07-15.

Conditions:
Inborn genetic diseases. Identifiers: MedGen C0950123, MeSH D030342.
Neuropathy, hereditary sensory and autonomic, type 2A (HSAN2A). Also called: WNK1-Related HSAN2 (HSAN2A); MORVAN DISEASE; NEUROPATHY, CONGENITAL SENSORY; NEUROPATHY, HEREDITARY SENSORY RADICULAR, AUTOSOMAL RECESSIVE; NEUROPATHY, HEREDITARY SENSORY, TYPE IIA; NEUROPATHY, PROGRESSIVE SENSORY, OF CHILDREN. Identifiers: Orphanet 970, MedGen C2752089, MONDO:0024309, OMIM 201300.
Generalized epilepsy with febrile seizures plus, type 7 (GEFSP7). Also called: GEFS+, TYPE 7. Identifiers: Orphanet 36387, MedGen C2751778, MONDO:0013470, OMIM 613863.
SCN9A-related disorder. Also called: SCN9A-related disorders; SCN9A-related condition.

Allele frequency attached by ClinVar (database versions not stated): TOPMed 0.00005; gnomAD 0.00007 and 0.00009; gnomAD exomes 0.00009 and 0.00013; ExAC 0.00024; 1000 Genomes Project 30x 0.00047; 1000 Genomes Project 0.00060.
gnomAD v4.1: 134 of 1,575,960 alleles (0.0085%); highest among the groups gnomAD compares: Middle Eastern, 0.05%; no homozygotes.

Submissions (4):

PreventionGenetics, part of Exact Sciences
Classification: Likely benign for SCN9A-related condition. Last evaluated: 2026-07-15. Review status: criteria provided, single submitter. Criteria: ACMG Guidelines, 2015. Collection method: clinical testing. Allele origin: germline.
Comment: This variant is classified as likely benign based on ACMG/AMP sequence variant interpretation guidelines (Richards et al. 2015 PMID: 25741868, with internal and published modifications).

Labcorp Genetics (formerly Invitae), Labcorp
Classification: Likely benign for Neuropathy, hereditary sensory and autonomic, type 2A; Generalized epilepsy with febrile seizures plus, type 7. Last evaluated: 2025-12-28. Review status: criteria provided, single submitter. Criteria: Invitae Variant Classification Sherloc (09022015). Collection method: clinical testing. Allele origin: germline.

CeGaT Center for Human Genetics Tuebingen
Classification: Likely benign. Last evaluated: 2022-07-01. Review status: criteria provided, single submitter. Criteria: CeGaT Center For Human Genetics Tuebingen Variant Classification Criteria Version 2. Collection method: clinical testing. Allele origin: germline. Affected: yes. Observed: 1 variant allele.
Comment: SCN9A: BP4, BP7

Ambry Genetics
Classification: Likely benign for Inborn genetic diseases. Last evaluated: 2019-07-11. Review status: criteria provided, single submitter. Criteria: Ambry Variant Classification Scheme 2023. Collection method: clinical testing. Allele origin: germline.

NM_001365536.1(SCN9A):c.393C>T (p.Leu131=)

Gene: SCN9A (sodium voltage-gated channel alpha subunit 9; minus strand). Cytogenetic location: 2q24.3.
Variant type: single nucleotide variant.
Coding change: c.393C>T on transcript NM_001365536.1 (MANE Select); coding-DNA position 393, C replaced by T.
Protein change: p.Leu131=; no amino-acid change (leucine 131 retained).
Molecular consequence: synonymous variant.
Genome position (GRCh38, 1-based): chr2:166,306,584, G>A on the plus strand (C>T on the coding strand, the complement: SCN9A is on the minus strand). VCF-style: chr2-166306584-G-A. GRCh37 (hg19) VCF-style: chr2-167163094-G-A.
Other names: c.393C>T, p.Leu131= (NM_002977.4).
Identifiers: ClinVar variation 471119 (VCV000471119.38), dbSNP rs199756028, ClinGen allele CA1944798.
Genomic context (GRCh38, chr2:166,306,584, plus strand): 5'-CCAGTCCGGTGGGTTATTCATGGTCATAAATATGCAGTTTGTCAGAATAGTGCACATGAT[G>A]AGCATGCTGAATAAGGTAGCTTAGAATCAAGGAACAAAAGAGACGACAGTGGGAATTTGA-3'
Protein context (NP_001352465.1, residues 121-141): KILVHSLFSM[Leu131=]IMCTILTNCI